The following is an entry in ClinVar:

NM_000487.6(ARSA):c.264C>T (p.Gly88=)

Gene: ARSA (arylsulfatase A; minus strand). Cytogenetic location: 22q13.33.
Variant type: single nucleotide variant.
Coding change: c.264C>T on transcript NM_000487.6 (MANE Select); coding-DNA position 264, C replaced by T.
Protein change: p.Gly88=; no amino-acid change (glycine 88 retained).
Molecular consequence: synonymous variant.
Genome position (GRCh38, 1-based): chr22:50,627,367, G>A on the plus strand (C>T on the coding strand, the complement: ARSA is on the minus strand). VCF-style: chr22-50627367-G-A. GRCh37 (hg19) VCF-style: chr22-51065795-G-A.
Other names: c.264C>T, p.Gly88= (NM_001085425.3, NM_001085426.3, NM_001085427.3); c.6C>T, p.Gly2= (NM_001085428.3, NM_001362782.2).
Identifiers: ClinVar variation 2109539 (VCV002109539.4), dbSNP rs2082692743, ClinGen allele CA515391591.

ClinVar aggregate classification (germline): Uncertain significance (1 of 4 stars; one submission).

Conditions:
Metachromatic leukodystrophy (MLD). Also called: METACHROMATIC LEUKOENCEPHALOPATHY; ARSA DEFICIENCY; CEREBROSIDE SULFATASE DEFICIENCY; Arylsulfatase A Deficiency; SULFATIDE LIPIDOSIS; Cerebral sclerosis diffuse metachromatic form. Identifiers: Orphanet 512, MedGen C0023522, MONDO:0018868, OMIM 250100.

Submission:

Labcorp Genetics (formerly Invitae), Labcorp
Classification: Uncertain significance for Metachromatic leukodystrophy. Last evaluated: 2022-06-08. Review status: criteria provided, single submitter. Criteria: Invitae Variant Classification Sherloc (09022015). Collection method: clinical testing. Allele origin: germline.
Comment: In summary, the available evidence is currently insufficient to determine the role of this variant in disease. Therefore, it has been classified as a Variant of Uncertain Significance. Algorithms developed to predict the effect of sequence changes on RNA splicing suggest that this variant may create or strengthen a splice site. This variant has not been reported in the literature in individuals affected with ARSA-related conditions. This variant is not present in population databases (gnomAD no frequency). This sequence change affects codon 88 of the ARSA mRNA. It is a 'silent' change, meaning that it does not change the encoded amino acid sequence of the ARSA protein.